The following is an entry in ClinVar:

NM_001128178.3(NPHP1):c.1187A>G (p.Asp396Gly)

Gene: NPHP1 (nephrocystin 1; minus strand). Cytogenetic location: 2q13.
Variant type: single nucleotide variant.
Coding change: c.1187A>G on transcript NM_001128178.3 (MANE Select); coding-DNA position 1187, A replaced by G.
Protein change: p.Asp396Gly; replaces aspartic acid 396 with glycine.
Molecular consequence: missense variant.
Genome position (GRCh38, 1-based): chr2:110,147,998, T>C on the plus strand (A>G on the coding strand, the complement: NPHP1 is on the minus strand). VCF-style: chr2-110147998-T-C. GRCh37 (hg19) VCF-style: chr2-110905575-T-C.
Other names: c.1355A>G (NM_000272.3, NM_000272.4); c.1355A>G, p.Asp452Gly (NM_000272.5); c.998A>G, p.Asp333Gly (NM_001128179.3); c.1184A>G, p.Asp395Gly (NM_001374256.1); c.1187A>G, p.Asp396Gly (NM_001374257.1); c.1352A>G, p.Asp451Gly (NM_207181.4); short protein forms D333G, D451G, D452G, D395G, D396G.
Identifiers: ClinVar variation 3584247 (VCV003584247.2).

ClinVar aggregate classification (germline): Uncertain significance. Review status: criteria provided, multiple submitters, no conflicts (2 of 4 stars). 2 submissions from 2 submitters: Uncertain significance (2). Last evaluated 2026-05-11.

Conditions:
NPHP1-related disorder. Also called: NPHP1-related disorders; NPHP1-related condition.
Nephronophthisis 1 (NPHP1). Also called: Nephronophthisis familial juvenile. Identifiers: Orphanet 655, Orphanet 93592, MedGen C1855681, MONDO:0009728, OMIM 256100.
Senior-Loken syndrome 1 (SLSN1). Also called: JUVENILE NEPHRONOPHTHISIS WITH LEBER AMAUROSIS. Identifiers: Orphanet 3156, MedGen C4551559, MONDO:0009962, OMIM 266900.
Joubert syndrome with renal defect. Also called: JOUBERT SYNDROME 4. Identifiers: Orphanet 220497, MedGen C1846790, MONDO:0012308, OMIM 609583.

gnomAD v4.1: 2 of 1,609,344 alleles (0.00012%); highest among the groups gnomAD compares: South Asian, 0.0011%; no homozygotes.

Submissions (2):

PreventionGenetics, part of Exact Sciences
Classification: Uncertain significance for NPHP1-related condition. Last evaluated: 2026-05-11. Review status: criteria provided, single submitter. Criteria: ACMG Guidelines, 2015. Collection method: clinical testing. Allele origin: germline.
Comment: The NPHP1 c.1355A>G variant is predicted to result in the amino acid substitution p.Asp452Gly. To our knowledge, this variant has not been reported in the literature or in a large population database (gnomAD), indicating this variant is rare. At this time, the clinical significance of this variant is uncertain due to the absence of conclusive functional and genetic evidence.

Fulgent Genetics
Classification: Uncertain significance for Nephronophthisis 1; Senior-Loken syndrome 1; Joubert syndrome with renal defect. Last evaluated: 2024-01-04. Review status: criteria provided, single submitter. Criteria: ACMG Guidelines, 2015. Collection method: clinical testing. Allele origin: germline.